The following is an entry in ClinVar:

ClinVar aggregate classification (germline): Likely benign. Review status: criteria provided, multiple submitters, no conflicts (2 of 4 stars). 3 submissions from 3 submitters: Likely benign (2). 1 of the submissions does not count toward it. Last evaluated 2025-11-12.

Conditions:
MARS2-related disorder. Also called: MARS2-related condition.

Allele frequency attached by ClinVar (database versions not stated): gnomAD exomes 0.00014 and 0.00035; ExAC 0.00038; 1000 Genomes Project 30x 0.00078; 1000 Genomes Project 0.00080; gnomAD 0.00113 and 0.00125; TOPMed 0.00123; ESP Exome Variant Server 0.00138.

Submissions (3):

Labcorp Genetics (formerly Invitae), Labcorp
Classification: Likely benign. Last evaluated: 2025-11-12. Review status: criteria provided, single submitter. Criteria: Invitae Variant Classification Sherloc (09022015). Collection method: clinical testing. Allele origin: germline.

Mayo Clinic Laboratories, Mayo Clinic
Classification: Likely benign. Last evaluated: 2025-03-18. Review status: criteria provided, single submitter. Criteria: ACMG Guidelines, 2015. Collection method: clinical testing. Allele origin: germline. Observed: 1 variant allele.
Comment: BS1, BP4_moderate

PreventionGenetics, part of Exact Sciences
Classification: Likely benign for MARS2-related condition. Last evaluated: 2023-04-05. Review status: no assertion criteria provided. Collection method: clinical testing. Allele origin: germline. Not counted in ClinVar's aggregate classification.
Comment: This variant is classified as likely benign based on ACMG/AMP sequence variant interpretation guidelines (Richards et al. 2015 PMID: 25741868, with internal and published modifications).

NM_138395.4(MARS2):c.721G>A (p.Val241Ile)

Gene: MARS2 (methionyl-tRNA synthetase 2, mitochondrial; plus strand). Cytogenetic location: 2q33.1.
Variant type: single nucleotide variant.
Coding change: c.721G>A on transcript NM_138395.4 (MANE Select); coding-DNA position 721, G replaced by A.
Protein change: p.Val241Ile; replaces valine 241 with isoleucine.
Molecular consequence: missense variant.
Genome position (GRCh38, 1-based): chr2:197,706,126, G>A. VCF-style: chr2-197706126-G-A. GRCh37 (hg19) VCF-style: chr2-198570850-G-A.
Other names: p.Val241Ile; short protein forms V241I.
Identifiers: ClinVar variation 214626 (VCV000214626.12), dbSNP rs141223747, ClinGen allele CA319962.
Genomic context (GRCh38, chr2:197,706,126, plus strand): 5'-CCACTCCAGCGGTGGCTGCGGGGCAACCCTCAGGCGATCACCCCCGAACCATTTCATCAC[G>A]TAGTTCTTCAGTGGCTGGACGAGGAGCTGCCCGACCTGTCCGTGTCTCGCAGAAGTAGCC-3'
Protein context (NP_612404.1, residues 231-251): QAITPEPFHH[Val241Ile]VLQWLDEELP